The following is an entry in ClinVar:

ClinVar aggregate classification (germline): Uncertain significance (1 of 4 stars; one submission).

gnomAD v4.1: 3 of 1,613,458 alleles (0.00019%); highest among the groups gnomAD compares: Non-Finnish European, 0.00025%; no homozygotes.

Submission:

GeneDx
Classification: Uncertain significance. Last evaluated: 2024-10-11. Review status: criteria provided, single submitter. Criteria: GeneDx Variant Classification Process June 2021. Collection method: clinical testing. Allele origin: germline. Affected: yes.
Comment: Not observed at significant frequency in large population cohorts (gnomAD); In silico analysis supports that this missense variant has a deleterious effect on protein structure/function; Has not been previously published as pathogenic or benign to our knowledge

NM_001378452.1(ITPR1):c.3982G>A (p.Ala1328Thr)

Gene: ITPR1 (inositol 1,4,5-trisphosphate receptor type 1; plus strand). Cytogenetic location: 3p26.1.
Variant type: single nucleotide variant.
Coding change: c.3982G>A on transcript NM_001378452.1 (MANE Select); coding-DNA position 3982, G replaced by A.
Protein change: p.Ala1328Thr; replaces alanine 1328 with threonine.
Molecular consequence: missense variant.
Genome position (GRCh38, 1-based): chr3:4,691,297, G>A. VCF-style: chr3-4691297-G-A. GRCh37 (hg19) VCF-style: chr3-4732981-G-A.
Other names: c.3955G>A, p.Ala1319Thr (NM_001099952.4); c.3937G>A, p.Ala1313Thr (NM_001168272.2); c.3910G>A, p.Ala1304Thr (NM_002222.7); short protein forms A1304T, A1313T, A1319T, A1328T.
Identifiers: ClinVar variation 3777357 (VCV003777357.1).
Genomic context (GRCh38, chr3:4,691,297, plus strand): 5'-TGCATAGAGACTCACGGTCGGAATGTCCAGTATATAAAGTTCTTACAGACAATTGTCAAG[G>A]CAGAAGGGAAATTTATTAAAAAATGCCAAGACATGGTTATGGCCGAGGTGATTGTTATAT-3'
Protein context (NP_001365381.1, residues 1318-1338): YIKFLQTIVK[Ala1328Thr]EGKFIKKCQD